The following is an entry in ClinVar:

ClinVar aggregate classification (germline): Uncertain significance (1 of 4 stars; one submission).

Conditions:
Epidermolysis bullosa simplex 3, localized or generalized intermediate, with BP230 deficiency (EBS3). Also called: Epidermolysis bullosa simplex, autosomal recessive 2; Epidermolysis bullosa simplex due to BP230 deficiency. Identifiers: Orphanet 412181, MedGen C3809470, MONDO:0014180, OMIM 615425.
Hereditary sensory and autonomic neuropathy type 6. Also called: HSAN VI; Neuropathy, hereditary sensory and autonomic, type VI. Identifiers: Orphanet 314381, MedGen C3539003, MONDO:0013839, OMIM 614653.

Allele frequency attached by ClinVar (database versions not stated): ExAC 0.00001; gnomAD exomes 0.00001.
gnomAD v4.1: 8 of 1,600,932 alleles (0.0005%); highest among the groups gnomAD compares: Middle Eastern, 0.017%; no homozygotes.

Submission:

Labcorp Genetics (formerly Invitae), Labcorp
Classification: Uncertain significance for Epidermolysis bullosa simplex 3, localized or generalized intermediate, with BP230 deficiency; Hereditary sensory and autonomic neuropathy type 6. Last evaluated: 2022-07-06. Review status: criteria provided, single submitter. Criteria: Invitae Variant Classification Sherloc (09022015). Collection method: clinical testing. Allele origin: germline.
Comment: The DST gene has multiple clinically relevant transcripts. This variant occurs in alternate transcript NM_015548.4, and corresponds to NM_001723.5:c.*105651A>G in the primary transcript. This sequence change replaces aspartic acid, which is acidic and polar, with glycine, which is neutral and non-polar, at codon 3640 of the DST protein (p.Asp3640Gly). This variant is present in population databases (rs745569521, gnomAD 0.005%). This variant has not been reported in the literature in individuals affected with DST-related conditions. Experimental studies and prediction algorithms are not available or were not evaluated, and the functional significance of this variant is currently unknown. In summary, the available evidence is currently insufficient to determine the role of this variant in disease. Therefore, it has been classified as a Variant of Uncertain Significance.

NM_001374736.1(DST):c.18788A>G (p.Asp6263Gly)

Gene: DST (dystonin; minus strand). Cytogenetic location: 6p12.1.
Variant type: single nucleotide variant.
Coding change: c.18788A>G on transcript NM_001374736.1 (MANE Select); coding-DNA position 18788, A replaced by G.
Protein change: p.Asp6263Gly; replaces aspartic acid 6263 with glycine.
Molecular consequence: missense variant.
Genome position (GRCh38, 1-based): chr6:56,509,866, T>C on the plus strand (A>G on the coding strand, the complement: DST is on the minus strand). VCF-style: chr6-56509866-T-C. GRCh37 (hg19) VCF-style: chr6-56374664-T-C.
Other names: c.12431A>G, p.Asp4144Gly (NM_001144769.5); c.12017A>G, p.Asp4006Gly (NM_001144770.2); c.18788A>G, p.Asp6263Gly (NM_001374722.1); c.17828A>G, p.Asp5943Gly (NM_001374729.1); c.11570A>G, p.Asp3857Gly (NM_001374730.1); c.18815A>G, p.Asp6272Gly (NM_001374734.1); c.11897A>G, p.Asp3966Gly (NM_001386100.1, NM_183380.4); c.10919A>G, p.Asp3640Gly (NM_015548.5); short protein forms D3966G, D4006G, D5943G, D6263G, D3640G, D3857G, D4144G, D6272G.
Identifiers: ClinVar variation 1406791 (VCV001406791.6), dbSNP rs745569521, ClinGen allele CA3867138.